The following is an entry in ClinVar:

ClinVar aggregate classification (germline): Uncertain significance (1 of 4 stars; one submission).

Submission:

Labcorp Genetics (formerly Invitae), Labcorp
Classification: Uncertain significance. Last evaluated: 2025-08-21. Review status: criteria provided, single submitter. Criteria: Invitae Variant Classification Sherloc (09022015). Collection method: clinical testing. Allele origin: germline.
Comment: This sequence change replaces alanine, which is neutral and non-polar, with threonine, which is neutral and polar, at codon 126 of the C8orf37 protein (p.Ala126Thr). This variant is not present in population databases (gnomAD no frequency). This variant has not been reported in the literature in individuals affected with C8orf37-related conditions. ClinVar contains an entry for this variant (Variation ID: 2023081). An algorithm developed to predict the effect of missense changes on protein structure and function outputs the following: PolyPhen-2: "Benign". The threonine amino acid residue is found in multiple mammalian species, which suggests that this missense change does not adversely affect protein function. In summary, the available evidence is currently insufficient to determine the role of this variant in disease. Therefore, it has been classified as a Variant of Uncertain Significance.

NM_177965.4(CFAP418):c.376G>A (p.Ala126Thr)

Gene: CFAP418 (cilia and flagella associated protein 418; minus strand). Cytogenetic location: 8q22.1.
Variant type: single nucleotide variant.
Coding change: c.376G>A on transcript NM_177965.4 (MANE Select); coding-DNA position 376, G replaced by A.
Protein change: p.Ala126Thr; replaces alanine 126 with threonine.
Molecular consequence: missense variant. On other transcripts: intron variant (1).
Genome position (GRCh38, 1-based): chr8:95,252,282, C>T on the plus strand (G>A on the coding strand, the complement: CFAP418 is on the minus strand). VCF-style: chr8-95252282-C-T. GRCh37 (hg19) VCF-style: chr8-96264510-C-T.
Other names: c.375-4512G>A (NM_001363260.1); short protein forms A126T.
Identifiers: ClinVar variation 2023081 (VCV002023081.4), dbSNP rs1160030425, ClinGen allele CA371838645.